The following is an entry in ClinVar:

NM_001048174.2(MUTYH):c.967C>A (p.Gln323Lys)

Gene: MUTYH (mutY DNA glycosylase; minus strand). Cytogenetic location: 1p34.1.
Variant type: single nucleotide variant.
Coding change: c.967C>A on transcript NM_001048174.2 (MANE Select); coding-DNA position 967, C replaced by A.
Protein change: p.Gln323Lys; replaces glutamine 323 with lysine.
Molecular consequence: missense variant. On other transcripts: non-coding transcript variant (7).
Genome position (GRCh38, 1-based): chr1:45,331,796, G>T on the plus strand (C>A on the coding strand, the complement: MUTYH is on the minus strand). VCF-style: chr1-45331796-G-T. GRCh37 (hg19) VCF-style: chr1-45797468-G-T.
Other names: c.967C>A, p.Gln323Lys (NM_001293195.2, NM_001407070.1, NM_001407072.1 and 6 more transcripts); c.691C>A, p.Gln231Lys (NM_001293196.2, NM_001407091.1, NM_001293192.2); c.622C>A, p.Gln208Lys (NM_001350650.2, NM_001350651.2, NM_001407082.1); c.1000C>A, p.Gln334Lys (NM_001407069.1, NM_001293191.2, NM_001407077.1); c.970C>A, p.Gln324Lys (NM_001407071.1, NM_001048172.2, NM_001407078.1 and 1 more transcripts); c.988C>A, p.Gln330Lys (NM_001407087.1); c.1042C>A, p.Gln348Lys (NM_012222.3); c.1051C>A, p.Gln351Lys (NM_001128425.2); and 5 more; short protein forms Q310K, Q337K, Q351K, Q231K, Q295K, Q330K, Q323K, Q324K.
Identifiers: ClinVar variation 4112965 (VCV004112965.1).

ClinVar aggregate classification (germline): Uncertain significance (1 of 4 stars; one submission).

Conditions:
Hereditary cancer-predisposing syndrome. Also called: Tumor predisposition; Neoplastic Syndromes, Hereditary; Hereditary neoplastic syndrome; Hereditary Cancer Syndrome. Identifiers: Orphanet 140162, MedGen C0027672, MeSH D009386, MONDO:0015356.

Submission:

Ambry Genetics
Classification: Uncertain significance for Hereditary cancer-predisposing syndrome. Last evaluated: 2025-08-27. Review status: criteria provided, single submitter. Criteria: Ambry Variant Classification Scheme 2023. Collection method: clinical testing. Allele origin: germline.
Comment: The p.Q351K variant (also known as c.1051C>A), located in coding exon 12 of the MUTYH gene, results from a C to A substitution at nucleotide position 1051. The glutamine at codon 351 is replaced by lysine, an amino acid with similar properties. This amino acid position is conserved. In addition, this alteration is predicted to be tolerated by in silico analysis. Based on the available evidence, the clinical significance of this variant remains unclear.